The following is an entry in ClinVar:

NM_002049.4(GATA1):c.1198C>T (p.Pro400Ser)

Gene: GATA1 (GATA binding protein 1; plus strand). Cytogenetic location: Xp11.23.
Variant type: single nucleotide variant.
Coding change: c.1198C>T on transcript NM_002049.4 (MANE Select); coding-DNA position 1198, C replaced by T.
Protein change: p.Pro400Ser; replaces proline 400 with serine.
Molecular consequence: missense variant.
Genome position (GRCh38, 1-based): chrX:48,794,120, C>T. VCF-style: chrX-48794120-C-T. GRCh37 (hg19) VCF-style: chrX-48652527-C-T.
Other names: short protein forms P400S.
Identifiers: ClinVar variation 2948592 (VCV002948592.3), dbSNP rs2519346983, ClinGen allele CA412872615.

ClinVar aggregate classification (germline): Uncertain significance (1 of 4 stars; one submission).

Conditions:
Diamond-Blackfan anemia. Also called: Blackfan Diamond syndrome; Aregenerative anemia chronic congenital; Red cell aplasia, pure hereditary; Congenital hypoplastic anemia; Aase syndrome. Identifiers: Orphanet 124, MedGen C1260899, MeSH D029503, MONDO:0015253, HP:0004810.
GATA binding protein 1 related thrombocytopenia with dyserythropoiesis. Also called: GATA1-Related Cytopenia; GATA1-Related X-Linked Cytopenia. Identifiers: MedGen C1845837, MONDO:0100089.

Submission:

Labcorp Genetics (formerly Invitae), Labcorp
Classification: Uncertain significance for GATA binding protein 1 related thrombocytopenia with dyserythropoiesis; Diamond-Blackfan anemia. Last evaluated: 2023-06-05. Review status: criteria provided, single submitter. Criteria: Invitae Variant Classification Sherloc (09022015). Collection method: clinical testing. Allele origin: germline.
Comment: In summary, the available evidence is currently insufficient to determine the role of this variant in disease. Therefore, it has been classified as a Variant of Uncertain Significance. An algorithm developed to predict the effect of missense changes on protein structure and function (PolyPhen-2) suggests that this variant is likely to be disruptive. This variant has not been reported in the literature in individuals affected with GATA1-related conditions. This variant is not present in population databases (gnomAD no frequency). This sequence change replaces proline, which is neutral and non-polar, with serine, which is neutral and polar, at codon 400 of the GATA1 protein (p.Pro400Ser).